The following is an entry in ClinVar:

NM_001318852.2(MAPK8IP3):c.1936G>A (p.Glu646Lys)

Gene: MAPK8IP3 (mitogen-activated protein kinase 8 interacting protein 3; plus strand). Cytogenetic location: 16p13.3.
Variant type: single nucleotide variant.
Coding change: c.1936G>A on transcript NM_001318852.2 (MANE Select); coding-DNA position 1936, G replaced by A.
Protein change: p.Glu646Lys; replaces glutamic acid 646 with lysine.
Molecular consequence: missense variant.
Genome position (GRCh38, 1-based): chr16:1,763,694, G>A. VCF-style: chr16-1763694-G-A. GRCh37 (hg19) VCF-style: chr16-1813695-G-A.
Other names: c.1915G>A, p.Glu639Lys (NM_001040439.2); c.1933G>A, p.Glu645Lys (NM_015133.5, NM_033392.3); short protein forms E639K, E645K, E646K.
Identifiers: ClinVar variation 1708433 (VCV001708433.2), dbSNP rs2042083816, ClinGen allele CA394233210.
Genomic context (GRCh38, chr16:1,763,694, plus strand): 5'-TCACCCATCATTCTTCCACTCAGCGACTGCACGTCCTCCGCCCGTCGAGAGCAGAAGCGC[G>A]AGCAGTACCGCCAGGTGCGTGAGCACGTGCGTAACGACGACGGCCGTCTGCAGGCCTGCG-3'
Protein context (NP_001305781.1, residues 636-656): TSSARREQKR[Glu646Lys]QYRQVREHVR

ClinVar aggregate classification (germline): Uncertain significance (1 of 4 stars; one submission).

Allele frequency attached by ClinVar (database versions not stated): TOPMed below 0.00001.
gnomAD v4.1: 2 of 1,594,668 alleles (0.00013%); highest among the groups gnomAD compares: Non-Finnish European, 0.00017%; no homozygotes.

Submission:

Centre of Medical Genetics, University Hospital Muenster
Classification: Uncertain significance. Last evaluated: 2021-12-08. Review status: criteria provided, single submitter. Criteria: ACMG Guidelines, 2015. Collection method: clinical testing. Allele origin: unknown. Affected: yes. Observed: 1 variant allele, 1 heterozygote.
Comment: ACMG categories: PM1,PM2,PP3